The following is an entry in ClinVar:

NM_000492.4(CFTR):c.2044del (p.Thr682fs)

Gene: CFTR (CF transmembrane conductance regulator; plus strand). Cytogenetic location: 7q31.2.
Variant type: Deletion.
Coding change: c.2044del on transcript NM_000492.4 (MANE Select); coding-DNA position 2044, one base deleted (A; older notation c.2044delA).
Protein change: p.Thr682fs; shifts the reading frame from threonine 682.
Molecular consequence: frameshift variant.
Genome position (GRCh38, 1-based): chr7:117,592,211, A deleted; the last of 3 consecutive A bases (chr7:117,592,209-117,592,211); deleting any one gives the same sequence. VCF-style (leftmost placement, unchanged base first): chr7-117592208-GA-G. GRCh37 (hg19) VCF-style: chr7-117232262-GA-G.
Other names: c.2044delA (NM_000492.3); short protein forms T682fs.
Identifiers: ClinVar variation 552149 (VCV000552149.11), dbSNP rs1554389346, ClinGen allele CA658822499.

ClinVar aggregate classification (germline): Pathogenic. Review status: criteria provided, single submitter (1 of 4 stars). 3 submissions from 3 submitters: Pathogenic (1). 2 of the submissions do not count toward it. Last evaluated 2020-01-24.

Conditions:
Cystic fibrosis (CF). Also called: MUCOVISCIDOSIS. Identifiers: Orphanet 586, MedGen C0010674, MONDO:0009061, OMIM 219700. Disease mechanism: loss of function.
CFTR-related disorder (CFTR-RD). Also called: CFTR-related disorders; CFTR-related condition. Identifiers: MedGen C5924204, MONDO:7770004.

Submissions (3):

Labcorp Genetics (formerly Invitae), Labcorp
Classification: Pathogenic for Cystic fibrosis. Last evaluated: 2020-01-24. Review status: criteria provided, single submitter. Criteria: Invitae Variant Classification Sherloc (09022015). Collection method: clinical testing. Allele origin: germline.
Comment: This sequence change creates a premature translational stop signal (p.Thr682Glnfs*40) in the CFTR gene. It is expected to result in an absent or disrupted protein product. This variant is not present in population databases (ExAC no frequency). This variant has been observed in individual(s) with cystic fibrosis (PMID: 23276700). ClinVar contains an entry for this variant (Variation ID: 552149). Loss-of-function variants in CFTR are known to be pathogenic (PMID: 1695717, 7691345, 9725922). For these reasons, this variant has been classified as Pathogenic.

Counsyl
Classification: Likely pathogenic for Cystic fibrosis. Last evaluated: 2017-05-24. Review status: no assertion criteria provided. Collection method: clinical testing. Allele origin: unknown. Not counted in ClinVar's aggregate classification.

Natera, Inc.
Classification: Pathogenic for CFTR-related disorders. Last evaluated: 2017-03-17. Review status: no assertion criteria provided. Collection method: clinical testing. Allele origin: germline. Not counted in ClinVar's aggregate classification.

Literature cited by the submitters: PubMed 23276700 (cited by Labcorp Genetics (formerly Invitae), Labcorp and Counsyl); PubMed 1695717 (cited by Labcorp Genetics (formerly Invitae), Labcorp); PubMed 7691345 (cited by Labcorp Genetics (formerly Invitae), Labcorp); PubMed 9725922 (cited by Labcorp Genetics (formerly Invitae), Labcorp).